The following is an entry in ClinVar:

ClinVar aggregate classification (germline): Conflicting classifications of pathogenicity. Review status: criteria provided, conflicting classifications (1 of 4 stars). 2 submissions from 2 submitters: Pathogenic (1); Uncertain significance (1). Last evaluated 2023-01-13.

Conditions:
Familial thoracic aortic aneurysm and aortic dissection (TAAD). Also called: Thoracic aortic aneurysms and dissections. Identifiers: Orphanet 91387, MedGen C4707243, MONDO:0019625.

Submissions (2):

GeneDx
Classification: Uncertain significance. Last evaluated: 2023-01-13. Review status: criteria provided, single submitter. Criteria: GeneDx Variant Classification Process June 2021. Collection method: clinical testing. Allele origin: germline. Affected: yes.
Comment: Nonsense variant predicted to result in protein truncation or nonsense mediated decay in a gene or region of a gene for which loss of function is not a well-established mechanism of disease; Not observed at significant frequency in large population cohorts (gnomAD); Has not been previously published as pathogenic or benign to our knowledge

Labcorp Genetics (formerly Invitae), Labcorp
Classification: Pathogenic for Familial thoracic aortic aneurysm and aortic dissection. Last evaluated: 2022-10-03. Review status: criteria provided, single submitter. Criteria: Invitae Variant Classification Sherloc (09022015). Collection method: clinical testing. Allele origin: germline.
Comment: For these reasons, this variant has been classified as Pathogenic. This variant has not been reported in the literature in individuals affected with TGFBR1-related conditions. This variant is not present in population databases (gnomAD no frequency). This sequence change creates a premature translational stop signal (p.Ser280*) in the TGFBR1 gene. It is expected to result in an absent or disrupted protein product. Loss-of-function variants in TGFBR1 are known to be pathogenic (PMID: 21358634).

Literature cited by the submitters: PubMed 21358634 (cited by Labcorp Genetics (formerly Invitae), Labcorp).

NM_004612.4(TGFBR1):c.839C>G (p.Ser280Ter)

Gene: TGFBR1 (transforming growth factor beta receptor 1; plus strand). Cytogenetic location: 9q22.33.
Variant type: single nucleotide variant.
Coding change: c.839C>G on transcript NM_004612.4 (MANE Select); coding-DNA position 839, C replaced by G.
Protein change: p.Ser280Ter; replaces serine 280 with a stop codon.
Molecular consequence: nonsense.
Genome position (GRCh38, 1-based): chr9:99,142,569, C>G. VCF-style: chr9-99142569-C-G. GRCh37 (hg19) VCF-style: chr9-101904851-C-G.
Other names: c.839C>G (NM_004612.2); c.608C>G, p.Ser203Ter (NM_001130916.3, NM_001407435.1); c.851C>G, p.Ser284Ter (NM_001306210.2); c.644C>G, p.Ser215Ter (NM_001407418.1, NM_001407419.1, NM_001407420.1 and 1 more transcripts); c.632C>G, p.Ser211Ter (NM_001407423.1, NM_001407424.1, NM_001407425.1 and 8 more transcripts); c.593C>G, p.Ser198Ter (NM_001407436.1); c.131C>G, p.Ser44Ter (NM_001407437.1); c.362C>G, p.Ser121Ter (NM_001407438.1); short protein forms S203*, S211*, S280*, S284*, S198*, S121*, S215*, S44*.
Identifiers: ClinVar variation 2033852 (VCV002033852.5), dbSNP rs2490223025, ClinGen allele CA374230558.